The following is an entry in ClinVar:

NM_000284.4(PDHA1):c.692C>A (p.Thr231Lys)

Gene: PDHA1 (pyruvate dehydrogenase E1 subunit alpha 1; plus strand). Cytogenetic location: Xp22.12.
Variant type: single nucleotide variant.
Coding change: c.692C>A on transcript NM_000284.4 (MANE Select); coding-DNA position 692, C replaced by A.
Protein change: p.Thr231Lys; replaces threonine 231 with lysine.
Molecular consequence: missense variant.
Genome position (GRCh38, 1-based): chrX:19,355,437, C>A. VCF-style: chrX-19355437-C-A. GRCh37 (hg19) VCF-style: chrX-19373555-C-A.
Other names: c.806C>A, p.Thr269Lys (NM_001173454.2); c.713C>A, p.Thr238Lys (NM_001173455.2); c.599C>A, p.Thr200Lys (NM_001173456.2); short protein forms T200K, T231K, T238K, T269K.
Identifiers: ClinVar variation 4070359 (VCV004070359.1).

ClinVar aggregate classification (germline): Likely pathogenic (0 of 4 stars; one submission).

Conditions:
Pyruvate dehydrogenase E1-alpha deficiency (PDHAD). Also called: ATAXIA, INTERMITTENT, WITH PYRUVATE DEHYDROGENASE DEFICIENCY; ATAXIA WITH LACTIC ACIDOSIS I; ATAXIA, INTERMITTENT, WITH ABNORMAL PYRUVATE METABOLISM; Ataxia, intermittent, with pyruvate dehydrogenase, or decarboxylase, deficiency. Identifiers: Orphanet 79243, MedGen C1839413, MONDO:0010717, OMIM 312170.

Submission:

PDHA1 Study Group, University Children’s Hospital, Paracelsus Medical University
Classification: Likely pathogenic for Pyruvate dehydrogenase E1-alpha deficiency. Last evaluated: 2024-10-15. Review status: no assertion criteria provided. Collection method: research. Allele origin: germline. Affected: yes. Observed: 1 variant allele.
Comment: The NM_000284.3:c.692C>A (p.Thr231Lys) substitution is a missense variant in PDHA1 gene. The variant has been reported in 1 published case (PMIDs: 10679936). Last literature search: July 12, 2024. This variant is absent or extremely rare in population-based cohorts in the Genome Aggregation Database (gnomAD). Individuals harboring this variant presented with clinical features compatible with PDHA1-related PDHc deficiency. In summary, this variant meets criteria to be classified as likely pathogenic (LP) for PDHA1-related PDHc deficiency based on the ACMG/AMP criteria applied: PM1, PM2, PP3, PP4 (last assessment October 15, 2024).

Literature cited by the submitters: PubMed 10679936; DOI 10.1093/brain/awaf430.